The following is an entry in ClinVar:

NM_000038.6(APC):c.6785G>A (p.Ser2262Asn)

Gene: APC (APC regulator of Wnt signaling pathway; plus strand). Cytogenetic location: 5q22.2.
Variant type: single nucleotide variant.
Coding change: c.6785G>A on transcript NM_000038.6 (MANE Select); coding-DNA position 6785, G replaced by A.
Protein change: p.Ser2262Asn; replaces serine 2262 with asparagine.
Molecular consequence: missense variant.
Genome position (GRCh38, 1-based): chr5:112,842,379, G>A. VCF-style: chr5-112842379-G-A. GRCh37 (hg19) VCF-style: chr5-112178076-G-A.
Other names: c.6785G>A, p.Ser2262Asn (NM_001127510.3, NM_001354895.2); c.6731G>A, p.Ser2244Asn (NM_001127511.3); c.6839G>A, p.Ser2280Asn (NM_001354896.2); c.6815G>A, p.Ser2272Asn (NM_001354897.2); c.6710G>A, p.Ser2237Asn (NM_001354898.2); c.6701G>A, p.Ser2234Asn (NM_001354899.2); c.6662G>A, p.Ser2221Asn (NM_001354900.2); c.6608G>A, p.Ser2203Asn (NM_001354901.2); and 5 more; short protein forms S2244N, S2262N, S2102N, S2171N, S2161N, S2203N, S2221N, S2237N.
Identifiers: ClinVar variation 630620 (VCV000630620.22), dbSNP rs878853465, ClinGen allele CA16036149.

ClinVar aggregate classification (germline): Conflicting classifications of pathogenicity. Review status: criteria provided, conflicting classifications (1 of 4 stars). 5 submissions from 5 submitters: Uncertain significance (4); Likely benign (1). Last evaluated 2025-12-18.

Conditions:
Hereditary cancer-predisposing syndrome. Also called: Neoplastic Syndromes, Hereditary; Hereditary neoplastic syndrome; Tumor predisposition; Hereditary Cancer Syndrome. Identifiers: Orphanet 140162, MedGen C0027672, MeSH D009386, MONDO:0015356.
Familial adenomatous polyposis 1 (FAP1). Also called: FAMILIAL ADENOMATOUS POLYPOSIS 1, ATTENUATED; POLYPOSIS, ADENOMATOUS INTESTINAL. Identifiers: MedGen C2713442, MONDO:0021056, OMIM 175100. Disease mechanism: loss of function.
Classic or attenuated familial adenomatous polyposis. Identifiers: MedGen CN372698, MONDO:0021057.

Allele frequency attached by ClinVar (database versions not stated): gnomAD exomes below 0.00001.
gnomAD v4.1: 5 of 1,614,066 alleles (0.00031%); highest among the groups gnomAD compares: South Asian, 0.0011%; no homozygotes.

Submissions (5):

Ambry Genetics
Classification: Likely benign for Hereditary cancer-predisposing syndrome. Last evaluated: 2025-12-18. Review status: criteria provided, single submitter. Criteria: Ambry Variant Classification Scheme 2023. Collection method: clinical testing. Allele origin: germline.

Color Diagnostics, LLC DBA Color Health
Classification: Uncertain significance for Hereditary cancer-predisposing syndrome. Last evaluated: 2024-03-06. Review status: criteria provided, single submitter. Criteria: ACMG Guidelines, 2015. Collection method: clinical testing. Allele origin: germline.
Comment: This missense variant replaces serine with asparagine at codon 2262 of the APC protein. Computational prediction suggests that this variant may not impact protein structure and function (internally defined REVEL score threshold <= 0.5, PMID: 27666373). To our knowledge, functional studies have not been reported for this variant. This variant has not been reported in individuals affected with APC-related disorders in the literature. This variant has been identified in 1/251024 chromosomes in the general population by the Genome Aggregation Database (gnomAD). The available evidence is insufficient to determine the role of this variant in disease conclusively. Therefore, this variant is classified as a Variant of Uncertain Significance.

Labcorp Genetics (formerly Invitae), Labcorp
Classification: Uncertain significance for Familial adenomatous polyposis 1. Last evaluated: 2023-12-27. Review status: criteria provided, single submitter. Criteria: Invitae Variant Classification Sherloc (09022015). Collection method: clinical testing. Allele origin: germline.
Comment: This sequence change replaces serine, which is neutral and polar, with asparagine, which is neutral and polar, at codon 2262 of the APC protein (p.Ser2262Asn). This variant is present in population databases (no rsID available, gnomAD 0.0009%). This variant has not been reported in the literature in individuals affected with APC-related conditions. ClinVar contains an entry for this variant (Variation ID: 630620). Advanced modeling of protein sequence and biophysical properties (such as structural, functional, and spatial information, amino acid conservation, physicochemical variation, residue mobility, and thermodynamic stability) performed at Invitae indicates that this missense variant is not expected to disrupt APC protein function with a negative predictive value of 95%. In summary, the available evidence is currently insufficient to determine the role of this variant in disease. Therefore, it has been classified as a Variant of Uncertain Significance.

Baylor Genetics
Classification: Uncertain significance for Familial adenomatous polyposis 1. Last evaluated: 2023-09-10. Review status: criteria provided, single submitter. Criteria: ACMG Guidelines, 2015. Collection method: clinical testing. Allele origin: unknown.

All of Us Research Program, National Institutes of Health
Classification: Uncertain significance for Classic or attenuated familial adenomatous polyposis. Last evaluated: 2023-04-03. Review status: criteria provided, single submitter. Criteria: ACMG Guidelines, 2015. Collection method: clinical testing. Allele origin: germline. Inheritance: Autosomal dominant inheritance. Observed: 1 variant allele, 1 heterozygote.
Comment: This missense variant replaces serine with asparagine at codon 2262 of the APC protein. Computational prediction suggests that this variant may not impact protein structure and function (internally defined REVEL score threshold <= 0.5, PMID: 27666373). To our knowledge, functional studies have not been reported for this variant. This variant has not been reported in individuals affected with APC-related disorders in the literature. This variant has been identified in 1/251024 chromosomes in the general population by the Genome Aggregation Database (gnomAD). The available evidence is insufficient to determine the role of this variant in disease conclusively. Therefore, this variant is classified as a Variant of Uncertain Significance.

This study involves interpretation of variants in research participants for the purpose of population health screening. Participant phenotype was not available at the time of variant classification. Additional details can be found in publication PMID: 35346344, PMCID: PMC8962531